The following is an entry in ClinVar:

NM_004006.3(DMD):c.7309+2T>G

Gene: DMD (dystrophin; minus strand). Cytogenetic location: Xp21.1.
Variant type: single nucleotide variant.
Coding change: c.7309+2T>G on transcript NM_004006.3 (MANE Select); the canonical splice donor site of the intron after coding-DNA position 7309, T replaced by G.
Molecular consequence: splice donor variant.
Genome position (GRCh38, 1-based): chrX:31,819,973, A>C on the plus strand (T>G on the coding strand, the complement: DMD is on the minus strand). VCF-style: chrX-31819973-A-C. GRCh37 (hg19) VCF-style: chrX-31838090-A-C.
Other names: c.7285+2T>G (NM_000109.4); c.3286+2T>G (NM_004011.4); c.3277+2T>G (NM_004012.4); c.-72+2T>G (NM_004023.3, NM_004020.4, NM_004022.3 and 2 more transcripts); c.7297+2T>G (NM_004009.3); c.6940+2T>G (NM_004010.3); c.7309+2T>G (NM_004006.2).
Identifiers: ClinVar variation 3896668 (VCV003896668.4).

ClinVar aggregate classification (germline): Pathogenic/Likely pathogenic. Review status: criteria provided, multiple submitters, no conflicts (2 of 4 stars). 2 submissions from 2 submitters: Pathogenic (1); Likely pathogenic (1). Last evaluated 2025-04-23.

Conditions:
Becker muscular dystrophy, Cardiomyopathy, Duchenne muscular dystrophy, Dystrophin deficiency.
Neuromuscular disease caused by qualitative or quantitative defects of dystrophin. Also called: Qualitative or quantitative defects of dystrophin. Identifiers: Orphanet 207085, MedGen C5679787, MONDO:0016147.

Submissions (2):

Women's Health and Genetics/Laboratory Corporation of America, LabCorp
Classification: Likely pathogenic for Neuromuscular disease caused by qualitative or quantitative defects of dystrophin. Last evaluated: 2025-04-23. Review status: criteria provided, single submitter. Criteria: LabCorp Variant Classification Summary - May 2015. Collection method: clinical testing. Allele origin: germline.
Comment: Variant summary: DMD c.7309+2T>G is located in a canonical splice-site and is predicted to affect mRNA splicing resulting in a significantly altered protein due to either exon skipping, shortening, or inclusion of intronic material. Variants that disrupt the consensus splice site are a relatively common cause of aberrant splicing and loss of DMD function. Several computational tools predict a significant impact on normal splicing: Four predict the variant abolishes a 5' splicing donor site. However, these predictions have yet to be confirmed by functional studies. The variant was absent in 1204804 control chromosomes. To our knowledge, no occurrence of c.7309+2T>G in individuals affected with Dystrophinopathies and no experimental evidence demonstrating its impact on protein function have been reported. No submitters have cited clinical-significance assessments for this variant to ClinVar. Based on the evidence outlined above, the variant was classified as likely pathogenic.

Natera, Inc.
Classification: Pathogenic for Becker muscular dystrophy, Cardiomyopathy, Duchenne muscular dystrophy, Dystrophin deficiency. Last evaluated: 2025-02-19. Review status: criteria provided, single submitter. Criteria: Natera Variant Classification Schema (03/2026). Collection method: clinical testing. Allele origin: germline.
Comment: The c.7309+2T>G variant in DMD is a canonical splice donor site variant predicted to affect pre-mRNA splicing, which may result in an abnormal transcript and altered protein product. This variant is expected to result in nonsense mediated decay, truncation, or a dysfunctional protein product. This variant is rare in the general population with a frequency below the threshold expected for the associated phenotype(s). Another variant at this same site results in an alteration predicted to cause a similar molecular effect has been observed in individual(s) with the associated phenotype. Given the available evidence, this variant is classified as Pathogenic.